The following is an entry in ClinVar:

NM_007289.4(MME):c.1229G>T (p.Arg410Leu)

Gene: MME (membrane metalloendopeptidase; plus strand). Cytogenetic location: 3q25.2.
Variant type: single nucleotide variant.
Coding change: c.1229G>T on transcript NM_007289.4 (MANE Select); coding-DNA position 1229, G replaced by T.
Protein change: p.Arg410Leu; replaces arginine 410 with leucine.
Molecular consequence: missense variant.
Genome position (GRCh38, 1-based): chr3:155,143,483, G>T. VCF-style: chr3-155143483-G-T. GRCh37 (hg19) VCF-style: chr3-154861272-G-T.
Other names: c.1229G>T, p.Arg410Leu (NM_000902.5, NM_001354642.2, NM_001354643.1 and 2 more transcripts); short protein forms R410L.
Identifiers: ClinVar variation 4086373 (VCV004086373.1).

ClinVar aggregate classification (germline): Uncertain significance (1 of 4 stars; one submission).

Submission:

GeneDx
Classification: Uncertain significance. Last evaluated: 2025-03-20. Review status: criteria provided, single submitter. Criteria: GeneDx Variant Classification Process June 2021. Collection method: clinical testing. Allele origin: germline. Affected: yes.
Comment: Identified in the heterozygous state in a patient with late-onset sensory motor axonal neuropathy, but it is unknown whether this individual was screened for variants in other genes associated with neuropathy (PMID: 39251209); Not observed at significant frequency in large population cohorts (gnomAD); In silico analysis supports that this missense variant has a deleterious effect on protein structure/function; This variant is associated with the following publications: (PMID: 39251209)